The following is an entry in ClinVar:

NM_000384.3(APOB):c.7585C>A (p.Gln2529Lys)

Gene: APOB (apolipoprotein B; minus strand). Cytogenetic location: 2p24.1.
Variant type: single nucleotide variant.
Coding change: c.7585C>A on transcript NM_000384.3 (MANE Select); coding-DNA position 7585, C replaced by A.
Protein change: p.Gln2529Lys; replaces glutamine 2529 with lysine.
Molecular consequence: missense variant.
Genome position (GRCh38, 1-based): chr2:21,009,283, G>T on the plus strand (C>A on the coding strand, the complement: APOB is on the minus strand). VCF-style: chr2-21009283-G-T. GRCh37 (hg19) VCF-style: chr2-21232155-G-T.
Other names: short protein forms Q2529K.
Identifiers: ClinVar variation 334126 (VCV000334126.17), dbSNP rs747140161, ClinGen allele CA064549.
Genomic context (GRCh38, chr2:21,009,283, plus strand): 5'-AGGTGACAAGTGTGCTATAAACCTGGCCTACCAGAGACAGGTATCGTTGAAGTTCCTGCT[G>T]AATGTCCATTTGATACATTCGGTCTCGTGTATCTTCTAGGGTCTCTCGGAATTTGGCCTT-3'
Protein context (NP_000375.3, residues 2519-2539): TRDRMYQMDI[Gln2529Lys]QELQRYLSLV

ClinVar aggregate classification (germline): Conflicting classifications of pathogenicity. Review status: criteria provided, conflicting classifications (1 of 4 stars). 5 submissions from 5 submitters: Uncertain significance (1); Likely benign (2). 2 of the submissions do not count toward it. Last evaluated 2026-09-01.

Conditions:
Cardiovascular phenotype. Identifiers: MedGen CN230736.
Hypercholesterolemia, autosomal dominant, type B (FHCL2). Also called: Hyperlipoproteinemia Type IIb; Familial hypercholesterolemia 2; APOB-Related Familial Hypercholesterolemia, Autosomal Dominant; HYPERCHOLESTEROLEMIA, FAMILIAL, DUE TO LIGAND-DEFECTIVE APOLIPOPROTEIN B; Familial Hypercholesterolemia Type B; APOLIPOPROTEIN B-100, FAMILIAL DEFECTIVE. Identifiers: MedGen C1704417, MONDO:0007751, OMIM 144010.
Familial hypobetalipoproteinemia 1. Also called: APOB-Related Familial Hypobetalipoproteinemia; Hypobetalipoproteinemia, normotriglyceridemic; Acanthocytosis with hypobetalipoproteinemia. Identifiers: MedGen C4551990, MONDO:0014252, OMIM 615558.

Allele frequency attached by ClinVar (database versions not stated): ExAC 0.00002; gnomAD exomes 0.00002; gnomAD 0.00003; TOPMed 0.00003.
gnomAD v4.1: 32 of 1,613,942 alleles (0.002%); highest among the groups gnomAD compares: Admixed American, 0.005%; no homozygotes.

Submissions (5):

CeGaT Center for Human Genetics Tuebingen
Classification: Likely benign. Last evaluated: 2026-09-01. Review status: criteria provided, single submitter. Criteria: CeGaT Center For Human Genetics Tuebingen Variant Classification Criteria Version 2. Collection method: clinical testing. Allele origin: germline. Affected: yes. Observed: 2 variant alleles.
Comment: APOB: BP4

Labcorp Genetics (formerly Invitae), Labcorp
Classification: Likely benign for Familial hypobetalipoproteinemia 1; Hypercholesterolemia, autosomal dominant, type B. Last evaluated: 2024-03-12. Review status: criteria provided, single submitter. Criteria: Invitae Variant Classification Sherloc (09022015). Collection method: clinical testing. Allele origin: germline.

Ambry Genetics
Classification: Uncertain significance for Cardiovascular phenotype. Last evaluated: 2021-11-30. Review status: criteria provided, single submitter. Criteria: Ambry Variant Classification Scheme 2023. Collection method: clinical testing. Allele origin: germline.
Comment: The p.Q2529K variant (also known as c.7585C>A), located in coding exon 26 of the APOB gene, results from a C to A substitution at nucleotide position 7585. The glutamine at codon 2529 is replaced by lysine, an amino acid with similar properties. This variant has been detected in a familial hypercholesterolemia cohort (Alves AC et al. Atherosclerosis, 2018 10;277:448-456). This amino acid position is not well conserved in available vertebrate species. In addition, this alteration is predicted to be tolerated by in silico analysis. Since supporting evidence is limited at this time, the clinical significance of this alteration remains unclear.

Clinical Genetics DNA and cytogenetics Diagnostics Lab, Erasmus MC, Erasmus Medical Center
Classification: Likely benign. Review status: no assertion criteria provided. Collection method: clinical testing. Allele origin: germline. Affected: yes. Study: VKGL Data-share Consensus. Not counted in ClinVar's aggregate classification.

Clinical Genetics, Academic Medical Center
Classification: Likely benign. Review status: no assertion criteria provided. Collection method: clinical testing. Allele origin: germline. Affected: yes. Study: VKGL Data-share Consensus. Not counted in ClinVar's aggregate classification.

Literature cited by the submitters: PubMed 30270084 (cited by Ambry Genetics).